The following is an entry in ClinVar:

ClinVar aggregate classification (germline): Uncertain significance. Review status: criteria provided, multiple submitters, no conflicts (2 of 4 stars). 2 submissions from 2 submitters: Uncertain significance (2). Last evaluated 2022-06-08.

Conditions:
Inborn genetic diseases. Identifiers: MedGen C0950123, MeSH D030342.

Allele frequency attached by ClinVar (database versions not stated): gnomAD exomes 0.00005; gnomAD 0.00007; ExAC 0.00008; TOPMed 0.00008; ESP Exome Variant Server 0.00016.
gnomAD v4.1: 82 of 1,487,664 alleles (0.0055%); highest among the groups gnomAD compares: South Asian, 0.0057%; no homozygotes.

Submissions (2):

Labcorp Genetics (formerly Invitae), Labcorp
Classification: Uncertain significance. Last evaluated: 2022-06-08. Review status: criteria provided, single submitter. Criteria: Invitae Variant Classification Sherloc (09022015). Collection method: clinical testing. Allele origin: germline.
Comment: This sequence change replaces isoleucine, which is neutral and non-polar, with threonine, which is neutral and polar, at codon 609 of the PLAA protein (p.Ile609Thr). This variant is present in population databases (rs149488838, gnomAD 0.2%). This variant has not been reported in the literature in individuals affected with PLAA-related conditions. Algorithms developed to predict the effect of missense changes on protein structure and function (SIFT, PolyPhen-2, Align-GVGD) all suggest that this variant is likely to be tolerated. In summary, the available evidence is currently insufficient to determine the role of this variant in disease. Therefore, it has been classified as a Variant of Uncertain Significance.

Ambry Genetics
Classification: Uncertain significance for Inborn genetic diseases. Last evaluated: 2021-08-04. Review status: criteria provided, single submitter. Criteria: Ambry Variant Classification Scheme 2023. Collection method: clinical testing. Allele origin: germline.

NM_001031689.3(PLAA):c.1826T>C (p.Ile609Thr)

Gene: PLAA (phospholipase A2 activating protein; minus strand). Cytogenetic location: 9p21.2.
Variant type: single nucleotide variant.
Coding change: c.1826T>C on transcript NM_001031689.3 (MANE Select); coding-DNA position 1826, T replaced by C.
Protein change: p.Ile609Thr; replaces isoleucine 609 with threonine.
Molecular consequence: missense variant.
Genome position (GRCh38, 1-based): chr9:26,906,073, A>G on the plus strand (T>C on the coding strand, the complement: PLAA is on the minus strand). VCF-style: chr9-26906073-A-G. GRCh37 (hg19) VCF-style: chr9-26906071-A-G.
Other names: c.1757T>C, p.Ile586Thr (NM_001321546.2); c.1826T>C (NM_001031689.2); short protein forms I609T, I586T.
Identifiers: ClinVar variation 2165271 (VCV002165271.2), dbSNP rs149488838, ClinGen allele CA5014209.